The following is an entry in ClinVar:

NM_014014.5(SNRNP200):c.3268C>T (p.Arg1090Trp)

Gene: SNRNP200 (small nuclear ribonucleoprotein U5 subunit 200; minus strand). Cytogenetic location: 2q11.2.
Variant type: single nucleotide variant.
Coding change: c.3268C>T on transcript NM_014014.5 (MANE Select); coding-DNA position 3268, C replaced by T.
Protein change: p.Arg1090Trp; replaces arginine 1090 with tryptophan.
Molecular consequence: missense variant.
Genome position (GRCh38, 1-based): chr2:96,287,960, G>A on the plus strand (C>T on the coding strand, the complement: SNRNP200 is on the minus strand). VCF-style: chr2-96287960-G-A. GRCh37 (hg19) VCF-style: chr2-96953698-G-A.
Other names: short protein forms R1090W.
Identifiers: ClinVar variation 452152 (VCV000452152.9), dbSNP rs1223054032, ClinGen allele CA347673058.

ClinVar aggregate classification (germline): Uncertain significance. Review status: criteria provided, multiple submitters, no conflicts (2 of 4 stars). 2 submissions from 2 submitters: Uncertain significance (2). Last evaluated 2022-01-06.

Allele frequency attached by ClinVar (database versions not stated): TOPMed 0.00002.
gnomAD v4.1: 3 of 1,614,036 alleles (0.00019%); highest among the groups gnomAD compares: African/African-American, 0.0013%; no homozygotes.

Submissions (2):

Labcorp Genetics (formerly Invitae), Labcorp
Classification: Uncertain significance. Last evaluated: 2022-01-06. Review status: criteria provided, single submitter. Criteria: Invitae Variant Classification Sherloc (09022015). Collection method: clinical testing. Allele origin: germline.
Comment: Algorithms developed to predict the effect of missense changes on protein structure and function are either unavailable or do not agree on the potential impact of this missense change (SIFT: "Deleterious"; PolyPhen-2: "Probably Damaging"; Align-GVGD: "Class C0"). ClinVar contains an entry for this variant (Variation ID: 452152). This missense change has been observed in individual(s) with SNRNP200-related conditions (PMID: 33946315). This variant is present in population databases (no rsID available, gnomAD 0.004%). This sequence change replaces arginine, which is basic and polar, with tryptophan, which is neutral and slightly polar, at codon 1090 of the SNRNP200 protein (p.Arg1090Trp). This variant disrupts the p.Arg1090 amino acid residue in SNRNP200. Other variant(s) that disrupt this residue have been determined to be pathogenic (PMID: 19710410, 29320387). This suggests that this residue is clinically significant, and that variants that disrupt this residue are likely to be disease-causing. In summary, the available evidence is currently insufficient to determine the role of this variant in disease. Therefore, it has been classified as a Variant of Uncertain Significance.

GeneDx
Classification: Uncertain significance. Last evaluated: 2017-09-26. Review status: criteria provided, single submitter. Criteria: GeneDx Variant Classification (06012015). Collection method: clinical testing. Allele origin: germline. Affected: yes.
Comment: The R1090W variant in the SNRNP200 gene has not been reported previously as a pathogenic variant, nor as a benign variant, to our knowledge. However, a missense variant in the same codon (R1090L) has been reported, which segregated with autosomal dominant retinitis pigmentosa in 12 affected individuals from a 4-generation Chinese family (Li et al., 2010). The R1090W variant is not observed at a significant frequency in large population cohorts (Lek et al., 2016). The R1090W variant is a non-conservative amino acid substitution, which is likely to impact secondary protein structure as these residues differ in polarity, charge, size and/or other properties. In addition, this substitution occurs at a position that is conserved across species, and in silico analysis predicts this variant is probably damaging to the protein structure/function. We interpret R1090W as a variant of uncertain significance.

Literature cited by the submitters: PubMed 33946315 (cited by Labcorp Genetics (formerly Invitae), Labcorp); PubMed 19710410 (cited by Labcorp Genetics (formerly Invitae), Labcorp); PubMed 29320387 (cited by Labcorp Genetics (formerly Invitae), Labcorp).